The following is an entry in ClinVar:

ClinVar aggregate classification (germline): Uncertain significance (1 of 4 stars; one submission).

Allele frequency attached by ClinVar (database versions not stated): gnomAD 0.00001.

Submission:

Labcorp Genetics (formerly Invitae), Labcorp
Classification: Uncertain significance. Last evaluated: 2022-04-01. Review status: criteria provided, single submitter. Criteria: Invitae Variant Classification Sherloc (09022015). Collection method: clinical testing. Allele origin: germline.
Comment: This variant is not present in population databases (gnomAD no frequency). This sequence change replaces glycine, which is neutral and non-polar, with arginine, which is basic and polar, at codon 156 of the OTOG protein (p.Gly156Arg). This variant has not been reported in the literature in individuals affected with OTOG-related conditions. In summary, the available evidence is currently insufficient to determine the role of this variant in disease. Therefore, it has been classified as a Variant of Uncertain Significance. Algorithms developed to predict the effect of missense changes on protein structure and function are either unavailable or do not agree on the potential impact of this missense change (SIFT: "Deleterious"; PolyPhen-2: "Probably Damaging"; Align-GVGD: "Class C0").

NM_001292063.2(OTOG):c.430G>A (p.Gly144Arg)

Gene: OTOG (otogelin; plus strand). Cytogenetic location: 11p15.1.
Variant type: single nucleotide variant.
Coding change: c.430G>A on transcript NM_001292063.2 (MANE Select); coding-DNA position 430, G replaced by A.
Protein change: p.Gly144Arg; replaces glycine 144 with arginine.
Molecular consequence: missense variant.
Genome position (GRCh38, 1-based): chr11:17,553,409, G>A. VCF-style: chr11-17553409-G-A. GRCh37 (hg19) VCF-style: chr11-17574956-G-A.
Other names: c.466G>A, p.Gly156Arg (NM_001277269.2); short protein forms G144R, G156R.
Identifiers: ClinVar variation 2101823 (VCV002101823.4), dbSNP rs1475024999, ClinGen allele CA379811339.